The following is an entry in ClinVar:

ClinVar aggregate classification (germline): Uncertain significance (1 of 4 stars; one submission).

Allele frequency attached by ClinVar (database versions not stated): TOPMed below 0.00001.

Submission:

Labcorp Genetics (formerly Invitae), Labcorp
Classification: Uncertain significance. Last evaluated: 2022-04-17. Review status: criteria provided, single submitter. Criteria: Invitae Variant Classification Sherloc (09022015). Collection method: clinical testing. Allele origin: germline.
Comment: This sequence change replaces arginine, which is basic and polar, with threonine, which is neutral and polar, at codon 861 of the EFL1 protein (p.Arg861Thr). This variant is not present in population databases (gnomAD no frequency). This variant has not been reported in the literature in individuals affected with EFL1-related conditions. Algorithms developed to predict the effect of missense changes on protein structure and function (SIFT, PolyPhen-2, Align-GVGD) all suggest that this variant is likely to be tolerated. In summary, the available evidence is currently insufficient to determine the role of this variant in disease. Therefore, it has been classified as a Variant of Uncertain Significance.

NM_024580.6(EFL1):c.2582G>C (p.Arg861Thr)

Gene: EFL1 (elongation factor like GTPase 1; minus strand). Cytogenetic location: 15q25.2.
Variant type: single nucleotide variant.
Coding change: c.2582G>C on transcript NM_024580.6 (MANE Select); coding-DNA position 2582, G replaced by C.
Protein change: p.Arg861Thr; replaces arginine 861 with threonine.
Molecular consequence: missense variant. On other transcripts: non-coding transcript variant (1).
Genome position (GRCh38, 1-based): chr15:82,151,872, C>G on the plus strand (G>C on the coding strand, the complement: EFL1 is on the minus strand). VCF-style: chr15-82151872-C-G. GRCh37 (hg19) VCF-style: chr15-82444213-C-G.
Other names: c.2429G>C, p.Arg810Thr (NM_001040610.3); c.1793G>C, p.Arg598Thr (NM_001322844.2); c.2582G>C, p.Arg861Thr (NM_001322845.2); short protein forms R598T, R810T, R861T.
Identifiers: ClinVar variation 2127267 (VCV002127267.1), dbSNP rs2073913317, ClinGen allele CA393287117.